The following is an entry in ClinVar:

NM_001267550.2(TTN):c.72358C>T (p.Leu24120Phe)

Genes: TTN (titin; minus strand), TTN-AS1 (TTN antisense RNA 1; plus strand). Cytogenetic location: 2q31.2.
Variant type: single nucleotide variant.
Coding change: c.72358C>T on transcript NM_001267550.2 (MANE Select); coding-DNA position 72358, C replaced by T.
Protein change: p.Leu24120Phe; replaces leucine 24120 with phenylalanine.
Molecular consequence: missense variant.
Genome position (GRCh38, 1-based): chr2:178,573,774, G>A on the plus strand (C>T on the coding strand, the complement: TTN is on the minus strand). VCF-style: chr2-178573774-G-A. GRCh37 (hg19) VCF-style: chr2-179438501-G-A.
Other names: c.67435C>T, p.Leu22479Phe (NM_001256850.1); c.45163C>T, p.Leu15055Phe (NM_003319.4); c.64654C>T, p.Leu21552Phe (NM_133378.4); c.45538C>T, p.Leu15180Phe (NM_133432.3); c.45739C>T, p.Leu15247Phe (NM_133437.4); short protein forms L21552F, L24120F, L15180F, L15247F, L15055F, L22479F.
Identifiers: ClinVar variation 501630 (VCV000501630.17), dbSNP rs372309164, ClinGen allele CA1990511.

ClinVar aggregate classification (germline): Conflicting classifications of pathogenicity. Review status: criteria provided, conflicting classifications (1 of 4 stars). 7 submissions from 7 submitters: Uncertain significance (5); Benign (1); Likely benign (1). Last evaluated 2026-01-05.

Conditions:
Autosomal recessive limb-girdle muscular dystrophy type 2J (LGMDR10). Also called: Limb-girdle muscular dystrophy, type 2J; MUSCULAR DYSTROPHY, LIMB-GIRDLE, AUTOSOMAL RECESSIVE 10. Identifiers: Orphanet 140922, MedGen C1837342, MONDO:0012127, OMIM 608807.
Dilated cardiomyopathy 1G (CMD1G). Identifiers: Orphanet 154, MedGen C1858763, MONDO:0011400, OMIM 604145.
TTN-related disorder. Also called: TTN-related condition; TTN-related disease; TTN-related disorders.
Cardiomyopathy (CMYO). Also called: Cardiomyopathies. Identifiers: Orphanet 167848, MedGen C0878544, MONDO:0004994, HP:0001638. Inheritance: Various modes of inheritance.
Myopathy, myofibrillar, 9, with early respiratory failure (MFM9). Also called: Hereditary myopathy with early respiratory failure; EDSTROM MYOPATHY; MYOPATHY, PROXIMAL, WITH EARLY RESPIRATORY MUSCLE INVOLVEMENT; Myopathy, distal, with early respiratory failure, autosomal dominant. Identifiers: Orphanet 178464, Orphanet 34521, MedGen C1863599, MONDO:0011362, OMIM 603689.
Early-onset myopathy with fatal cardiomyopathy (CMYO5). Also called: Salih Myopathy; CONGENITAL MYOPATHY 5 WITH CARDIOMYOPATHY. Identifiers: Orphanet 289377, MedGen C2673677, MONDO:0012714, OMIM 611705. Disease mechanism: loss of function.
Tibial muscular dystrophy (TMD). Also called: Udd Distal Myopathy – Tibial Muscular Dystrophy; UDD MYOPATHY; Tibial muscular dystrophy, tardive. Identifiers: Orphanet 609, MedGen C1838244, MONDO:0010870, OMIM 600334.
Hypertrophic cardiomyopathy 9. Also called: Familial hypertrophic cardiomyopathy 9. Identifiers: MedGen C1861065, MONDO:0013412, OMIM 613765.

Allele frequency attached by ClinVar (database versions not stated): gnomAD 0.00003; TOPMed 0.00004; gnomAD exomes 0.00014; ExAC 0.00017; ESP Exome Variant Server 0.00017.
gnomAD v4.1: 136 of 1,607,414 alleles (0.0085%); highest among the groups gnomAD compares: South Asian, 0.075%; 1 homozygote.

Submissions (7):

PreventionGenetics, part of Exact Sciences
Classification: Uncertain significance for TTN-related condition. Last evaluated: 2026-01-05. Review status: criteria provided, single submitter. Criteria: ACMG Guidelines, 2015. Collection method: clinical testing. Allele origin: germline.
Comment: The TTN c.72358C>T variant is predicted to result in the amino acid substitution p.Leu24120Phe. To our knowledge, this variant has not been reported in the literature in individuals with TTN-related disorders. This variant is reported in 0.058% of alleles in individuals of South Asian descent in gnomAD. Although we suspect that this variant may be benign, at this time, the clinical significance of this variant is uncertain due to the absence of conclusive functional and genetic evidence.

CHEO Genetics Diagnostic Laboratory, Children's Hospital of Eastern Ontario
Classification: Benign for Cardiomyopathy. Last evaluated: 2022-04-19. Review status: criteria provided, single submitter. Criteria: ACMG Guidelines, 2015. Collection method: clinical testing. Allele origin: germline.

Revvity Omics, Revvity
Classification: Uncertain significance. Last evaluated: 2022-01-27. Review status: criteria provided, single submitter. Criteria: ACMG Guidelines, 2015. Collection method: clinical testing. Allele origin: germline.

GeneDx
Classification: Likely benign. Last evaluated: 2021-03-08. Review status: criteria provided, single submitter. Criteria: GeneDx Variant Classification Process June 2021. Collection method: clinical testing. Allele origin: germline. Affected: yes.

Fulgent Genetics
Classification: Uncertain significance for Tibial muscular dystrophy; Myopathy, myofibrillar, 9, with early respiratory failure; Dilated cardiomyopathy 1G; Autosomal recessive limb-girdle muscular dystrophy type 2J; Early-onset myopathy with fatal cardiomyopathy; Hypertrophic cardiomyopathy 9. Last evaluated: 2018-10-31. Review status: criteria provided, single submitter. Criteria: ACMG Guidelines, 2015. Collection method: clinical testing. Allele origin: unknown.

Labcorp Genetics (formerly Invitae), Labcorp
Classification: Uncertain significance for Dilated cardiomyopathy 1G; Autosomal recessive limb-girdle muscular dystrophy type 2J. Last evaluated: 2017-12-12. Review status: criteria provided, single submitter. Criteria: Invitae Variant Classification Sherloc (09022015). Collection method: clinical testing. Allele origin: germline.

Eurofins Ntd Llc (ga)
Classification: Uncertain significance. Last evaluated: 2017-04-28. Review status: criteria provided, single submitter. Criteria: EGL Classification Definitions 2015. Collection method: clinical testing. Allele origin: germline. Observed: 1 variant allele, 1 heterozygote.